The following is an entry in ClinVar:

NM_198578.4(LRRK2):c.3107G>C (p.Ser1036Thr)

Gene: LRRK2 (leucine rich repeat kinase 2; plus strand). Cytogenetic location: 12q12.
Variant type: single nucleotide variant.
Coding change: c.3107G>C on transcript NM_198578.4 (MANE Select); coding-DNA position 3107, G replaced by C.
Protein change: p.Ser1036Thr; replaces serine 1036 with threonine.
Molecular consequence: missense variant.
Genome position (GRCh38, 1-based): chr12:40,298,253, G>C. VCF-style: chr12-40298253-G-C. GRCh37 (hg19) VCF-style: chr12-40692055-G-C.
Other names: short protein forms S1036T.
Identifiers: ClinVar variation 3540641 (VCV003540641.1).

ClinVar aggregate classification (germline): Uncertain significance (1 of 4 stars; one submission).

Conditions:
Inborn genetic diseases. Identifiers: MedGen C0950123, MeSH D030342.

Submission:

Ambry Genetics
Classification: Uncertain significance for Inborn genetic diseases. Last evaluated: 2024-08-26. Review status: criteria provided, single submitter. Criteria: Ambry Variant Classification Scheme 2023. Collection method: clinical testing. Allele origin: germline.
Comment: The p.S1036T variant (also known as c.3107G>C), located in coding exon 24 of the LRRK2 gene, results from a G to C substitution at nucleotide position 3107. The serine at codon 1036 is replaced by threonine, an amino acid with similar properties. This amino acid position is conserved. In addition, this alteration is predicted to be tolerated by in silico analysis. Based on the available evidence, the clinical significance of this variant remains unclear.